The following is an entry in ClinVar:

NM_003672.4(CDC14A):c.417C>G (p.Tyr139Ter)

Gene: CDC14A (cell division cycle 14A; plus strand). Cytogenetic location: 1p21.2.
Variant type: single nucleotide variant.
Coding change: c.417C>G on transcript NM_003672.4 (MANE Select); coding-DNA position 417, C replaced by G.
Protein change: p.Tyr139Ter; replaces tyrosine 139 with a stop codon.
Molecular consequence: nonsense. On other transcripts: 5 prime UTR variant (1).
Genome position (GRCh38, 1-based): chr1:100,439,959, C>G. VCF-style: chr1-100439959-C-G. GRCh37 (hg19) VCF-style: chr1-100905515-C-G.
Other names: c.417C>G, p.Tyr139Ter (NM_001319210.2, NM_033312.3, NM_033313.3); c.243C>G, p.Tyr81Ter (NM_001319211.2); c.-375C>G (NM_001319212.2); short protein forms Y139*, Y81*.
Identifiers: ClinVar variation 638290 (VCV000638290.1), dbSNP rs771622183, ClinGen allele CA341354382.

ClinVar aggregate classification (germline): Pathogenic (1 of 4 stars; one submission).

Conditions:
Autosomal recessive nonsyndromic hearing loss 32. Also called: HEARING IMPAIRMENT INFERTILE MALE SYNDROME; Deafness, autosomal recessive 32; Deafness, autosomal recessive 105. Identifiers: Orphanet 90636, MedGen C1837608, MONDO:0012091, OMIM 608653.

Allele frequency attached by ClinVar (database versions not stated): gnomAD 0.00001; TOPMed below 0.00001.
gnomAD v4.1: 17 of 1,613,162 alleles (0.0011%); highest among the groups gnomAD compares: Non-Finnish European, 0.0014%; no homozygotes.

Submission:

SIB Swiss Institute of Bioinformatics
Classification: Pathogenic for Autosomal recessive nonsyndromic hearing loss 32. Last evaluated: 2018-11-05. Review status: criteria provided, single submitter. Criteria: ACMG Guidelines, 2015. Collection method: curation. Allele origin: unknown.
Comment: This variant is interpreted as a Pathogenic for Deafness, autosomal recessive 32, with or without immotile sperm. The following ACMG Tag(s) were applied: PM2 : Absent from controls (or at extremely low frequency if recessive) in Exome Sequencing Project, 1000 Genomes Project, or Exome Aggregation Consortium. PVS1 : Predicted nullvariant in a gene where LOF is a known mechanism of disease. PP1-Strong : Segregation data PP1 upgraded to strong (PMID:29293958).

Literature cited by the submitters: PubMed 29293958.